The following is an entry in ClinVar:

ClinVar aggregate classification (germline): Uncertain significance (1 of 4 stars; one submission).

Conditions:
Congenital muscular dystrophy due to integrin alpha-7 deficiency. Also called: Congenital muscular dystrophy with integrin alpha-7 deficiency; Muscular dystrophy, congenital, due to ITGA7 deficiency; MYOPATHY, CONGENITAL, DUE TO INTEGRIN ALPHA-7 DEFICIENCY. Identifiers: Orphanet 34520, MedGen C2750786, MONDO:0013177, OMIM 613204.

Allele frequency attached by ClinVar (database versions not stated): ExAC 0.00001; gnomAD exomes 0.00001 and 0.00002; TOPMed 0.00001.
gnomAD v4.1: 7 of 1,613,904 alleles (0.00043%); highest among the groups gnomAD compares: Admixed American, 0.01%; no homozygotes.

Submission:

Labcorp Genetics (formerly Invitae), Labcorp
Classification: Uncertain significance for Congenital muscular dystrophy due to integrin alpha-7 deficiency. Last evaluated: 2022-03-18. Review status: criteria provided, single submitter. Criteria: Invitae Variant Classification Sherloc (09022015). Collection method: clinical testing. Allele origin: germline.
Comment: This sequence change replaces valine, which is neutral and non-polar, with leucine, which is neutral and non-polar, at codon 527 of the ITGA7 protein (p.Val527Leu). This variant is present in population databases (rs748602754, gnomAD 0.01%). This variant has not been reported in the literature in individuals affected with ITGA7-related conditions. ClinVar contains an entry for this variant (Variation ID: 946608). Algorithms developed to predict the effect of missense changes on protein structure and function (SIFT, PolyPhen-2, Align-GVGD) all suggest that this variant is likely to be tolerated. In summary, the available evidence is currently insufficient to determine the role of this variant in disease. Therefore, it has been classified as a Variant of Uncertain Significance.

NM_002206.3(ITGA7):c.1579G>C (p.Val527Leu)

Gene: ITGA7 (integrin subunit alpha 7; minus strand). Cytogenetic location: 12q13.2.
Variant type: single nucleotide variant.
Coding change: c.1579G>C on transcript NM_002206.3 (MANE Select); coding-DNA position 1579, G replaced by C.
Protein change: p.Val527Leu; replaces valine 527 with leucine.
Molecular consequence: missense variant. On other transcripts: intron variant (1).
Genome position (GRCh38, 1-based): chr12:55,697,057, C>G on the plus strand (G>C on the coding strand, the complement: ITGA7 is on the minus strand). VCF-style: chr12-55697057-C-G. GRCh37 (hg19) VCF-style: chr12-56090841-C-G.
Other names: c.1591G>C, p.Val531Leu (NM_001144996.2); c.1300G>C, p.Val434Leu (NM_001144997.2); c.1252G>C, p.Val418Leu (NM_001367993.1); c.235G>C, p.Val79Leu (NM_001367994.1); c.1711G>C, p.Val571Leu (NM_001410977.1); c.1504G>C, p.Val502Leu (NM_001414030.1); c.1492G>C, p.Val498Leu (NM_001414031.1); c.1459G>C, p.Val487Leu (NM_001414032.1); and 4 more; short protein forms V418L, V434L, V531L, V527L, V79L, V571L, V466L, V487L.
Identifiers: ClinVar variation 946608 (VCV000946608.9), dbSNP rs748602754, ClinGen allele CA6615890.